The following is an entry in ClinVar:

NM_001563.4(IMPG1):c.162G>A (p.Met54Ile)

Gene: IMPG1 (interphotoreceptor matrix proteoglycan 1; minus strand). Cytogenetic location: 6q14.1.
Variant type: single nucleotide variant.
Coding change: c.162G>A on transcript NM_001563.4 (MANE Select); coding-DNA position 162, G replaced by A.
Protein change: p.Met54Ile; replaces methionine 54 with isoleucine.
Molecular consequence: missense variant. On other transcripts: intron variant (1).
Genome position (GRCh38, 1-based): chr6:76,042,032, C>T on the plus strand (G>A on the coding strand, the complement: IMPG1 is on the minus strand). VCF-style: chr6-76042032-C-T. GRCh37 (hg19) VCF-style: chr6-76751749-C-T.
Other names: c.68-7245G>A (NM_001282368.2); c.162G>A (NM_001563.2); short protein forms M54I.
Identifiers: ClinVar variation 1021484 (VCV001021484.10), dbSNP rs376665994, ClinGen allele CA3898630.

ClinVar aggregate classification (germline): Uncertain significance. Review status: criteria provided, multiple submitters, no conflicts (2 of 4 stars). 3 submissions from 3 submitters: Uncertain significance (3). Last evaluated 2025-12-08.

Allele frequency attached by ClinVar (database versions not stated): gnomAD exomes 0.00004; ExAC 0.00006; TOPMed 0.00010; gnomAD 0.00011; ESP Exome Variant Server 0.00015.
gnomAD v4.1: 41 of 1,612,258 alleles (0.0025%); highest among the groups gnomAD compares: African/African-American, 0.039%; no homozygotes.

Submissions (3):

Labcorp Genetics (formerly Invitae), Labcorp
Classification: Uncertain significance. Last evaluated: 2025-12-08. Review status: criteria provided, single submitter. Criteria: Invitae Variant Classification Sherloc (09022015). Collection method: clinical testing. Allele origin: germline.
Comment: This sequence change replaces methionine, which is neutral and non-polar, with isoleucine, which is neutral and non-polar, at codon 54 of the IMPG1 protein (p.Met54Ile). This variant is present in population databases (rs376665994, gnomAD 0.05%). This variant has not been reported in the literature in individuals affected with IMPG1-related conditions. ClinVar contains an entry for this variant (Variation ID: 1021484). An algorithm developed to predict the effect of missense changes on protein structure and function outputs the following: PolyPhen-2: "Benign". The isoleucine amino acid residue is found in multiple mammalian species, which suggests that this missense change does not adversely affect protein function. In summary, the available evidence is currently insufficient to determine the role of this variant in disease. Therefore, it has been classified as a Variant of Uncertain Significance.

Ambry Genetics
Classification: Uncertain significance. Last evaluated: 2025-08-10. Review status: criteria provided, single submitter. Criteria: Ambry Variant Classification Scheme 2023. Collection method: clinical testing. Allele origin: germline.

Blueprint Genetics
Classification: Uncertain significance. Last evaluated: 2022-11-07. Review status: criteria provided, single submitter. Criteria: ACMG Guidelines, 2015. Collection method: clinical testing. Allele origin: germline.